The following is an entry in ClinVar:

NM_003680.4(YARS1):c.1405del (p.Phe468_Val469insTer)

Gene: YARS1 (tyrosyl-tRNA synthetase 1; minus strand). Cytogenetic location: 1p35.1.
Variant type: Deletion.
Coding change: c.1405del on transcript NM_003680.4 (MANE Select); coding-DNA position 1405, one base deleted (G; older notation c.1405delG).
Protein change: p.Phe468_Val469insTer.
Molecular consequence: nonsense.
Genome position (GRCh38, 1-based): chr1:32,779,453, C deleted on the plus strand (G on the coding strand, the reverse complement: YARS1 is on the minus strand). VCF-style (leftmost placement, unchanged base first): chr1-32779452-AC-A. GRCh37 (hg19) VCF-style: chr1-33245053-AC-A.
Other names: c.1405delG (NM_003680.3).
Identifiers: ClinVar variation 644353 (VCV000644353.6), dbSNP rs777156625, ClinGen allele CA744899.

ClinVar aggregate classification (germline): Uncertain significance (1 of 4 stars; one submission).

Conditions:
Charcot-Marie-Tooth disease dominant intermediate C (CMTDIC). Also called: CHARCOT-MARIE-TOOTH NEUROPATHY, DOMINANT INTERMEDIATE C. Identifiers: Orphanet 100045, MedGen C1842237, MONDO:0012012, OMIM 608323.

Allele frequency attached by ClinVar (database versions not stated): gnomAD exomes 0.00001; ExAC 0.00002; gnomAD 0.00002 and 0.00003; TOPMed 0.00002.

Submission:

Labcorp Genetics (formerly Invitae), Labcorp
Classification: Uncertain significance for Charcot-Marie-Tooth disease dominant intermediate C. Last evaluated: 2023-06-30. Review status: criteria provided, single submitter. Criteria: Invitae Variant Classification Sherloc (09022015). Collection method: clinical testing. Allele origin: germline.
Comment: In summary, the available evidence is currently insufficient to determine the role of this variant in disease. Therefore, it has been classified as a Variant of Uncertain Significance. ClinVar contains an entry for this variant (Variation ID: 644353). This variant has not been reported in the literature in individuals affected with YARS-related conditions. This variant is present in population databases (rs777156625, gnomAD 0.01%). This sequence change creates a premature translational stop signal (p.Val469*) in the YARS gene. It is expected to result in an absent or disrupted protein product. However, the current clinical and genetic evidence is not sufficient to establish whether loss-of-function variants in YARS cause disease.